The following is an entry in ClinVar:

ClinVar aggregate classification (germline): Uncertain significance (1 of 4 stars; one submission).

Conditions:
Epileptic encephalopathy. Identifiers: MedGen C0543888, HP:0200134.

Allele frequency attached by ClinVar (database versions not stated): gnomAD 0.00001; gnomAD exomes 0.00002; TOPMed 0.00002; ExAC 0.00008.
gnomAD v4.1: 32 of 1,612,224 alleles (0.002%); highest among the groups gnomAD compares: Admixed American, 0.033%; no homozygotes.

Submission:

Labcorp Genetics (formerly Invitae), Labcorp
Classification: Uncertain significance for Epileptic encephalopathy. Last evaluated: 2026-01-03. Review status: criteria provided, single submitter. Criteria: Invitae Variant Classification Sherloc (09022015). Collection method: clinical testing. Allele origin: germline.
Comment: This sequence change replaces serine, which is neutral and polar, with leucine, which is neutral and non-polar, at codon 1874 of the FASN protein (p.Ser1874Leu). This variant is present in population databases (rs762139554, gnomAD 0.06%), and has an allele count higher than expected for a pathogenic variant. This variant has not been reported in the literature in individuals affected with FASN-related conditions. ClinVar contains an entry for this variant (Variation ID: 2047106). An algorithm developed to predict the effect of missense changes on protein structure and function (PolyPhen-2) suggests that this variant is likely to be tolerated. In summary, the available evidence is currently insufficient to determine the role of this variant in disease. Therefore, it has been classified as a Variant of Uncertain Significance.

NM_004104.5(FASN):c.5621C>T (p.Ser1874Leu)

Gene: FASN (fatty acid synthase; minus strand). Cytogenetic location: 17q25.3.
Variant type: single nucleotide variant.
Coding change: c.5621C>T on transcript NM_004104.5 (MANE Select); coding-DNA position 5621, C replaced by T.
Protein change: p.Ser1874Leu; replaces serine 1874 with leucine.
Molecular consequence: missense variant.
Genome position (GRCh38, 1-based): chr17:82,083,060, G>A on the plus strand (C>T on the coding strand, the complement: FASN is on the minus strand). VCF-style: chr17-82083060-G-A. GRCh37 (hg19) VCF-style: chr17-80040936-G-A.
Other names: short protein forms S1874L.
Identifiers: ClinVar variation 2047106 (VCV002047106.4), dbSNP rs762139554, ClinGen allele CA8851615.
Genomic context (GRCh38, chr17:82,083,060, plus strand): 5'-CCCAGACCACCAGCGATGATGTAGCTCTTGTGGGCCGGGCAGAAGGTCTTGGAGATGGCC[G>A]ACATCAGCTTGGGTTTGGCCCCCTTCAGCACTGCCTCCGGCTCCTCCGCAAGCACCTGCG-3'
Protein context (NP_004095.4, residues 1864-1884): VLKGAKPKLM[Ser1874Leu]AISKTFCPAH